The following is an entry in ClinVar:

ClinVar aggregate classification (germline): Uncertain significance (1 of 4 stars; one submission).

Conditions:
Lethal multiple pterygium syndrome (LMPS). Identifiers: Orphanet 33108, MedGen C1854678, MONDO:0009668, OMIM 253290.

Allele frequency attached by ClinVar (database versions not stated): TOPMed below 0.00001; gnomAD exomes 0.00002.

Submission:

Labcorp Genetics (formerly Invitae), Labcorp
Classification: Uncertain significance for Lethal multiple pterygium syndrome. Last evaluated: 2025-12-20. Review status: criteria provided, single submitter. Criteria: Invitae Variant Classification Sherloc (09022015). Collection method: clinical testing. Allele origin: germline.
Comment: This sequence change replaces valine, which is neutral and non-polar, with methionine, which is neutral and non-polar, at codon 222 of the CHRND protein (p.Val222Met). This variant is present in population databases (no rsID available, gnomAD 0.006%). This variant has not been reported in the literature in individuals affected with CHRND-related conditions. ClinVar contains an entry for this variant (Variation ID: 1964936). Invitae Evidence Modeling of protein sequence and biophysical properties (such as structural, functional, and spatial information, amino acid conservation, physicochemical variation, residue mobility, and thermodynamic stability) indicates that this missense variant is not expected to disrupt CHRND protein function with a negative predictive value of 95%. In summary, the available evidence is currently insufficient to determine the role of this variant in disease. Therefore, it has been classified as a Variant of Uncertain Significance.

NM_000751.3(CHRND):c.664G>A (p.Val222Met)

Gene: CHRND (cholinergic receptor nicotinic delta subunit; plus strand). Cytogenetic location: 2q37.1.
Variant type: single nucleotide variant.
Coding change: c.664G>A on transcript NM_000751.3 (MANE Select); coding-DNA position 664, G replaced by A.
Protein change: p.Val222Met; replaces valine 222 with methionine.
Molecular consequence: missense variant. On other transcripts: intron variant (1).
Genome position (GRCh38, 1-based): chr2:232,529,983, G>A. VCF-style: chr2-232529983-G-A. GRCh37 (hg19) VCF-style: chr2-233394693-G-A.
Other names: c.619G>A, p.Val207Met (NM_001256657.2); c.361G>A, p.Val121Met (NM_001311196.2); c.238+1327G>A (NM_001311195.2); short protein forms V121M, V222M, V207M.
Identifiers: ClinVar variation 1964936 (VCV001964936.5), dbSNP rs1311352509, ClinGen allele CA351000748.